The following is an entry in ClinVar:

NM_000260.4(MYO7A):c.2543G>A (p.Arg848Gln)

Gene: MYO7A (myosin VIIA; plus strand). Cytogenetic location: 11q13.5.
Variant type: single nucleotide variant.
Coding change: c.2543G>A on transcript NM_000260.4 (MANE Select); coding-DNA position 2543, G replaced by A.
Protein change: p.Arg848Gln; replaces arginine 848 with glutamine.
Molecular consequence: missense variant.
Genome position (GRCh38, 1-based): chr11:77,179,910, G>A. VCF-style: chr11-77179910-G-A. GRCh37 (hg19) VCF-style: chr11-76890956-G-A.
Other names: c.2543G>A (NM_000260.3); c.2543G>A, p.Arg848Gln (NM_001127180.2); c.2510G>A, p.Arg837Gln (NM_001369365.1); short protein forms R837Q, R848Q.
Identifiers: ClinVar variation 1434969 (VCV001434969.6), dbSNP rs1555082917, ClinGen allele CA381941961.
Genomic context (GRCh38, chr11:77,179,910, plus strand): 5'-TGGTGCGCAAGGCCTTCCGCCACCGCCTCTGGGCTGTGCTCACCGTGCAGGCCTATGCCC[G>A]GGGCATGATCGCCCGCAGGCTGCACCAACGCCTCAGGGCTGAGGTGAGGGAGCAAGTCCA-3'
Protein context (NP_000251.3, residues 838-858): WAVLTVQAYA[Arg848Gln]GMIARRLHQR

ClinVar aggregate classification (germline): Uncertain significance. Review status: criteria provided, multiple submitters, no conflicts (2 of 4 stars). 3 submissions from 3 submitters: Uncertain significance (3). Last evaluated 2026-04-27.

Conditions:
Monogenic hearing loss.

Allele frequency attached by ClinVar (database versions not stated): TOPMed below 0.00001; gnomAD exomes below 0.00001 and 0.00001; gnomAD 0.00001.
gnomAD v4.1: 5 of 1,535,536 alleles (0.00033%); highest among the groups gnomAD compares: Non-Finnish European, 0.00044%; no homozygotes.

Submissions (3):

Genetics Laboratory, Great Ormond Street Hospital NHS Foundation Trust, North Thames Genomic Laboratory Hub
Classification: Uncertain significance for Monogenic hearing loss. Last evaluated: 2026-04-27. Review status: criteria provided, single submitter. Criteria: ACGS Best Practice Guidelines for Variant Classification in Rare Disease 2024 v1.2. Collection method: clinical testing. Allele origin: germline. Affected: yes.
Comment: PS4_moderate, PM2_moderate

Labcorp Genetics (formerly Invitae), Labcorp
Classification: Uncertain significance. Last evaluated: 2025-12-13. Review status: criteria provided, single submitter. Criteria: Invitae Variant Classification Sherloc (09022015). Collection method: clinical testing. Allele origin: germline.
Comment: This sequence change replaces arginine, which is basic and polar, with glutamine, which is neutral and polar, at codon 848 of the MYO7A protein (p.Arg848Gln). The frequency data for this variant in the population databases is considered unreliable, as metrics indicate poor data quality at this position in the gnomAD database. This missense change has been observed in individual(s) with clinical features of autosomal dominant deafness (PMID: 39062005; internal data). ClinVar contains an entry for this variant (Variation ID: 1434969). Invitae Evidence Modeling of protein sequence and biophysical properties (such as structural, functional, and spatial information, amino acid conservation, physicochemical variation, residue mobility, and thermodynamic stability) indicates that this missense variant is expected to disrupt MYO7A protein function with a positive predictive value of 95%. In summary, the available evidence is currently insufficient to determine the role of this variant in disease. Therefore, it has been classified as a Variant of Uncertain Significance.

GeneDx
Classification: Uncertain significance. Last evaluated: 2022-10-19. Review status: criteria provided, single submitter. Criteria: GeneDx Variant Classification Process June 2021. Collection method: clinical testing. Allele origin: germline. Affected: yes.
Comment: In silico analysis supports that this missense variant has a deleterious effect on protein structure/function; Has not been previously published as pathogenic or benign to our knowledge; This variant is associated with the following publications: (PMID: Marakhonov2015[NotEnglish])

Literature cited by the submitters: PubMed 39062005 (cited by Labcorp Genetics (formerly Invitae), Labcorp).